The following is an entry in ClinVar:

ClinVar aggregate classification (germline): Likely benign (1 of 4 stars; one submission).

Allele frequency attached by ClinVar (database versions not stated): gnomAD exomes 0.00052; 1000 Genomes Project 0.00379; 1000 Genomes Project 30x 0.00406; gnomAD 0.00411 and 0.00443; TOPMed 0.00464.
gnomAD v4.1: 835 of 534,024 alleles (0.16%); highest among the groups gnomAD compares: African/African-American, 1.4%; 7 homozygotes.

Submission:

GeneDx
Classification: Likely benign. Last evaluated: 2018-06-14. Review status: criteria provided, single submitter. Criteria: GeneDx Variant Classification (06012015). Collection method: clinical testing. Allele origin: germline. Affected: yes.
Comment: This variant is considered likely benign or benign based on one or more of the following criteria: it is a conservative change, it occurs at a poorly conserved position in the protein, it is predicted to be benign by multiple in silico algorithms, and/or has population frequency not consistent with disease.

NM_001267550.2(TTN):c.3730-266T>G

Genes: TTN (titin; minus strand), LOC101927055 (uncharacterized LOC101927055; plus strand). Cytogenetic location: 2q31.2.
Variant type: single nucleotide variant.
Coding change: c.3730-266T>G on transcript NM_001267550.2 (MANE Select); 266 bases into the intron before coding-DNA position 3730, T replaced by G.
Molecular consequence: intron variant.
Genome position (GRCh38, 1-based): chr2:178,779,728, A>C on the plus strand (T>G on the coding strand, the complement: TTN is on the minus strand). VCF-style: chr2-178779728-A-C. GRCh37 (hg19) VCF-style: chr2-179644455-A-C.
Other names: c.3730-266T>G (NM_001256850.1, NM_133378.4, NM_133379.5); c.3592-266T>G (NM_003319.4, NM_133437.4, NM_133432.3).
Identifiers: ClinVar variation 671568 (VCV000671568.1), dbSNP rs75885953, ClinGen allele CA60979728.